The following is an entry in ClinVar:

NM_001123385.2(BCOR):c.4824del (p.Asp1609fs)

Gene: BCOR (BCL6 corepressor; minus strand). Cytogenetic location: Xp11.4.
Variant type: Deletion.
Coding change: c.4824del on transcript NM_001123385.2 (MANE Select); coding-DNA position 4824, one base deleted (A; older notation c.4824delA).
Protein change: p.Asp1609fs; shifts the reading frame from aspartic acid 1609.
Molecular consequence: frameshift variant.
Genome position (GRCh38, 1-based): chrX:40,054,038, T deleted on the plus strand (A on the coding strand, the reverse complement: BCOR is on the minus strand). VCF-style (leftmost placement, unchanged base first): chrX-40054037-CT-C. GRCh37 (hg19) VCF-style: chrX-39913290-CT-C.
Other names: c.4722delA, p.Asp1575Metfs (NM_001123383.2); c.4668del, p.Asp1557fs (NM_001123384.2); c.4722del, p.Asp1575fs (NM_017745.6); c.4722delA (NM_001123383.1); short protein forms D1557fs, D1575fs, D1609fs.
Identifiers: ClinVar variation 2636166 (VCV002636166.1), dbSNP rs2519289569, ClinGen allele CA2573320675.
Genomic context (GRCh38, chrX:40,054,037, plus strand): 5'-CATCATCCTGGTCTTCTGGTCCTGGGGGGTTGGCTAAAACATCATAGCCACTTTCATCAT[CT>C]GGTTCTAATGGAGGGCAAATAAGAGAGGAAGGAATCAGTAAACTACAGCAAGATGTCCAC-3'

ClinVar aggregate classification (germline): Likely pathogenic (1 of 4 stars; one submission).

Conditions:
BCOR-related disorder. Also called: BCOR-related condition; BCOR-related disorders.

Submission:

PreventionGenetics, part of Exact Sciences
Classification: Likely pathogenic for BCOR-related condition. Last evaluated: 2022-08-24. Review status: criteria provided, single submitter. Criteria: ACMG Guidelines, 2015. Collection method: clinical testing. Allele origin: germline.
Comment: The BCOR c.4722delA variant is predicted to result in a frameshift and premature protein termination (p.Asp1575Metfs*9). To our knowledge, this variant has not been reported in the literature or in a large population database, indicating this variant is rare. Frameshift variants in BCOR are expected to be pathogenic. This variant is interpreted as likely pathogenic.